The following is an entry in ClinVar:

ClinVar aggregate classification (germline): Uncertain significance (1 of 4 stars; one submission).

Conditions:
Hereditary cancer-predisposing syndrome. Also called: Neoplastic Syndromes, Hereditary; Tumor predisposition; Hereditary Cancer Syndrome; Hereditary neoplastic syndrome. Identifiers: Orphanet 140162, MedGen C0027672, MeSH D009386, MONDO:0015356.

Submission:

Ambry Genetics
Classification: Uncertain significance for Hereditary cancer-predisposing syndrome. Last evaluated: 2025-11-26. Review status: criteria provided, single submitter. Criteria: Ambry Variant Classification Scheme 2023. Collection method: clinical testing. Allele origin: germline.
Comment: The p.P192Q variant (also known as c.575C>A), located in coding exon 3 of the PHOX2B gene, results from a C to A substitution at nucleotide position 575. The proline at codon 192 is replaced by glutamine, an amino acid with similar properties. This amino acid position is conserved. In addition, the in silico prediction for this alteration is inconclusive. Based on the available evidence, the clinical significance of this variant remains unclear.

NM_003924.4(PHOX2B):c.575C>A (p.Pro192Gln)

Gene: PHOX2B (paired like homeobox 2B; minus strand). Cytogenetic location: 4p13.
Variant type: single nucleotide variant.
Coding change: c.575C>A on transcript NM_003924.4 (MANE Select); coding-DNA position 575, C replaced by A.
Protein change: p.Pro192Gln; replaces proline 192 with glutamine.
Molecular consequence: missense variant.
Genome position (GRCh38, 1-based): chr4:41,746,177, G>T on the plus strand (C>A on the coding strand, the complement: PHOX2B is on the minus strand). VCF-style: chr4-41746177-G-T. GRCh37 (hg19) VCF-style: chr4-41748194-G-T.
Other names: short protein forms P192Q.
Identifiers: ClinVar variation 4666134 (VCV004666134.1).